The following is an entry in ClinVar:

NM_000059.4(BRCA2):c.9501+3A>T

Gene: BRCA2 (BRCA2 DNA repair associated; plus strand). Cytogenetic location: 13q13.1.
Variant type: single nucleotide variant.
Coding change: c.9501+3A>T on transcript NM_000059.4 (MANE Select); 3 bases into the intron after coding-DNA position 9501, A replaced by T.
Molecular consequence: intron variant.
Genome position (GRCh38, 1-based): chr13:32,394,936, A>T. VCF-style: chr13-32394936-A-T. GRCh37 (hg19) VCF-style: chr13-32969073-A-T.
Other names: IVS25+3A>T.
Identifiers: ClinVar variation 38242 (VCV000038242.127), dbSNP rs61757642, ClinGen allele CA026183.

ClinVar aggregate classification (germline): Benign. Review status: reviewed by expert panel (3 of 4 stars). 36 submissions from 36 submitters: Benign (1). 35 of the submissions do not count toward it. Last evaluated 2019-06-18.

Conditions:
BRCA2-related disorder. Also called: BRCA2-related condition; BRCA2-related disorders. Identifiers: MedGen CN239275.
Breast and/or ovarian cancer. Identifiers: MedGen CN221562.
Fanconi anemia complementation group D1. Also called: BRCA2-Related Fanconi Anemia. Identifiers: Orphanet 319462, MedGen C1838457, MONDO:0011584, OMIM 605724.
Familial cancer of breast. Also called: BREAST CANCER, FAMILIAL; Hereditary breast cancer; hereditary breast carcinoma. Identifiers: Orphanet 227535, MedGen C0346153, MONDO:0016419, OMIM 114480. Disease mechanism: loss of function.
Glioma susceptibility 3 (GLM3). Also called: Glioblastoma 3. Identifiers: Orphanet 182067, Orphanet 360, MedGen C2751641, MONDO:0013093, OMIM 613029.
Pancreatic cancer, susceptibility to, 2. Identifiers: Orphanet 1333, MedGen C3150546, MONDO:0013235, OMIM 613347.
Wilms tumor 1 (WT1). Also called: Wilms tumor, somatic. Identifiers: Orphanet 654, MedGen CN033288, MONDO:0008679, OMIM 194070.
Prostate cancer. Also called: Malignant tumor of prostate. Identifiers: Orphanet 1331, MedGen C0376358, MONDO:0008315, HP:0012125.
Medulloblastoma (MDB). Also called: MEDULLOBLASTOMA PREDISPOSITION SYNDROME; Medulloblastoma, somatic. Identifiers: Orphanet 616, MedGen C0025149, MeSH D008527, MONDO:0007959, OMIM 155255, HP:0002885.
Breast-ovarian cancer, familial, susceptibility to, 2 (BROVCA2). Also called: BRCA2 Hereditary Breast and Ovarian Cancer. Identifiers: Orphanet 145, MedGen C2675520, MONDO:0012933, OMIM 612555. Disease mechanism: loss of function.
Hereditary cancer-predisposing syndrome. Also called: Neoplastic Syndromes, Hereditary; Tumor predisposition; Hereditary Cancer Syndrome; Hereditary neoplastic syndrome. Identifiers: Orphanet 140162, MedGen C0027672, MeSH D009386, MONDO:0015356.
Hereditary breast ovarian cancer syndrome. Also called: Hereditary breast and ovarian cancer; Breast and ovarian cancer; Hereditary breast and/or ovarian cancer syndrome; Hereditary breast and ovarian cancer syndrome (HBOC); Hereditary breast and ovarian cancer syndrome; BRCA1- and BRCA2-Associated Hereditary Breast and Ovarian Cancer. Identifiers: Orphanet 145, MedGen C0677776, MeSH D061325, MONDO:0003582. Disease mechanism: loss of function.

Allele frequency attached by ClinVar (database versions not stated): gnomAD 0.00007 and 0.00008; TOPMed 0.00008; gnomAD exomes 0.00010 and 0.00012; ExAC 0.00015; ESP Exome Variant Server 0.00023.
gnomAD v4.1: 160 of 1,613,894 alleles (0.0099%); highest among the groups gnomAD compares: Admixed American, 0.015%; no homozygotes.

Submissions 1 to 10 of 38:

Evidence-based Network for the Interpretation of Germline Mutant Alleles (ENIGMA)
Classification: Benign for Breast-ovarian cancer, familial, susceptibility to, 2. Last evaluated: 2019-06-18. Review status: reviewed by expert panel. Criteria: ENIGMA BRCA1/2 Classification Criteria (2017-06-29). Collection method: curation. Allele origin: germline.
Comment: IARC class based on posterior probability from multifactorial likelihood analysis, thresholds for class as per Plon et al. 2008 (PMID: 18951446). Class 1 based on posterior probability = 4.85E-07

Labcorp Genetics (formerly Invitae), Labcorp
Classification: Benign for Hereditary breast ovarian cancer syndrome. Last evaluated: 2026-01-05. Review status: criteria provided, single submitter. Criteria: Invitae Variant Classification Sherloc (09022015). Collection method: clinical testing. Allele origin: germline. Not counted in ClinVar's aggregate classification.

Dasa
Classification: Benign for Breast-ovarian cancer, familial, susceptibility to, 2. Last evaluated: 2025-11-21. Review status: criteria provided, single submitter. Criteria: DASA Assertion Criteria. Collection method: clinical testing. Allele origin: germline. Not counted in ClinVar's aggregate classification.
Comment: NM_000059.4(BRCA2):c.9501+3A>T is a splice-region variant predicted to affect normal RNA splicing. Multiple computational predictions support a deleterious effect on the gene or gene product. The variant is present at low frequency in population datasets. Based on the available data, this variant is classified as benign.

Laboratorio de I+D, Fundación Centro Médico de Asturias
Classification: Uncertain significance for Hereditary cancer-predisposing syndrome. Last evaluated: 2025-07-09. Review status: criteria provided, single submitter. Criteria: ACMG Guidelines, 2015. Collection method: clinical testing. Allele origin: germline. Not counted in ClinVar's aggregate classification.
Comment: PM2_Supporting+PP3

Center for Genomic Medicine, Rigshospitalet, Copenhagen University Hospital
Classification: Benign. Last evaluated: 2025-03-04. Review status: criteria provided, single submitter. Criteria: ACMG Guidelines, 2015. Collection method: clinical testing. Allele origin: germline. Not counted in ClinVar's aggregate classification.

ARUP Laboratories, Molecular Genetics and Genomics, ARUP Laboratories
Classification: Likely benign. Last evaluated: 2024-08-16. Review status: criteria provided, single submitter. Criteria: ARUP Molecular Germline Variant Investigation Process 2024. Collection method: clinical testing. Allele origin: germline. Not counted in ClinVar's aggregate classification.

Blueprint Genetics
Classification: Uncertain significance. Last evaluated: 2024-06-17. Review status: criteria provided, single submitter. Criteria: ACMG Guidelines, 2015. Collection method: clinical testing. Allele origin: germline. Not counted in ClinVar's aggregate classification.

Mendelics
Classification: Benign for Hereditary breast ovarian cancer syndrome. Last evaluated: 2023-08-22. Review status: criteria provided, single submitter. Criteria: Mendelics Assertion Criteria 2019. Collection method: clinical testing. Allele origin: germline. Not counted in ClinVar's aggregate classification.

Quest Diagnostics Nichols Institute San Juan Capistrano
Classification: Benign. Last evaluated: 2023-07-26. Review status: criteria provided, single submitter. Criteria: Quest Diagnostics criteria. Collection method: clinical testing. Allele origin: unknown. Not counted in ClinVar's aggregate classification.

Victorian Clinical Genetics Services, Murdoch Childrens Research Institute
Classification: Benign for Breast-ovarian cancer, familial, susceptibility to, 2. Last evaluated: 2023-07-17. Review status: criteria provided, single submitter. Criteria: ACMG Guidelines, 2015. Collection method: clinical testing. Allele origin: germline. Inheritance: Autosomal dominant inheritance. Not counted in ClinVar's aggregate classification.
Comment: Based on the classification scheme VCGS_Germline_v1.3.4, this variant is classified as Benign. Following criteria are met: 0102 - Loss of function is a known mechanism of disease in this gene and is associated with BRCA2-associated cancers, complementation group D1 fanconi anemia (MIM#605724) and Wilms tumor (MIM#194070). 0108 - This gene is associated with both recessive and dominant disease (OMIM). (I) 0209 - Splice site variant proven to affect splicing of the transcript with uncertain effect on protein sequence. RT-PCR of total RNA from lymphoblastoid cell lines demonstrated exon 25 skipping (PMID: 21394826). And while various laboratories also reported aberrant splicing with this variant (PMID: 24212087), a minigene assay showed that only 13% of product had exon 25 skipping and 87% had normal splicing (PMID: 25382762). (N) 0304 - Variant is present in gnomAD <0.01 (v2: 31 heterozygotes, 0 homozygotes). (SP) 0506 - Abnormal splicing is not predicted and nucleotide is highly conserved. (I) 0805 - This variant has strong previous evidence of being benign in unrelated individuals. It has been classifised as benign by expert panel ENIGMA (ClinVar). (SB) 1004 - This variant has moderate functional evidence supporting normal protein function. In vitro studies demonstrated normal protein expression and mutant protein retained 90% of normal protein function based homology damage repair assays (PMID: 32398771). (SB) Legend: (SP) - Supporting pathogenic, (I) - Information, (SB) - Supporting benign